The following is an entry in ClinVar:

NM_133459.4(CCBE1):c.928dup (p.Ala310fs)

Gene: CCBE1 (collagen and calcium binding EGF domains 1; minus strand). Cytogenetic location: 18q21.32.
Variant type: Duplication.
Coding change: c.928dup on transcript NM_133459.4 (MANE Select); coding-DNA position 928, one base duplicated (G; older notation c.928dupG).
Protein change: p.Ala310fs; shifts the reading frame from alanine 310.
Molecular consequence: frameshift variant.
Genome position (GRCh38, 1-based): chr18:59,439,566, C duplicated on the plus strand (G on the coding strand, the reverse complement: CCBE1 is on the minus strand); the first of 4 consecutive C bases (chr18:59,439,566-59,439,569); duplicating any one gives the same sequence. VCF-style (leftmost placement, unchanged base first): chr18-59439565-G-GC. GRCh37 (hg19) VCF-style: chr18-57106797-G-GC.
Other names: short protein forms A310fs.
Identifiers: ClinVar variation 1349435 (VCV001349435.6), dbSNP rs2143618172, ClinGen allele CA2573155415.

ClinVar aggregate classification (germline): Uncertain significance (1 of 4 stars; one submission).

Submission:

Labcorp Genetics (formerly Invitae), Labcorp
Classification: Uncertain significance. Last evaluated: 2021-11-04. Review status: criteria provided, single submitter. Criteria: Invitae Variant Classification Sherloc (09022015). Collection method: clinical testing. Allele origin: germline.
Comment: In summary, the available evidence is currently insufficient to determine the role of this variant in disease. Therefore, it has been classified as a Variant of Uncertain Significance. This variant has not been reported in the literature in individuals affected with CCBE1-related conditions. This variant is not present in population databases (gnomAD no frequency). This sequence change creates a premature translational stop signal (p.Ala310Glyfs*8) in the CCBE1 gene. While this is not anticipated to result in nonsense mediated decay, it is expected to disrupt the last 97 amino acid(s) of the CCBE1 protein.